The following is an entry in ClinVar:

ClinVar aggregate classification (germline): Uncertain significance. Review status: criteria provided, multiple submitters, no conflicts (2 of 4 stars). 3 submissions from 3 submitters: Uncertain significance (3). Last evaluated 2026-03-19.

Conditions:
Cardiovascular phenotype. Identifiers: MedGen CN230736.
Long QT syndrome (LQTS). Identifiers: MedGen C0023976, MeSH D008133, MONDO:0002442. Disease mechanism: loss of function. Inheritance: Various modes of inheritance.
KCNH2-related disorder. Also called: KCNH2-related condition; KCNH2-related disorders.

Allele frequency attached by ClinVar (database versions not stated): gnomAD exomes below 0.00001 and 0.00002; gnomAD 0.00001.
gnomAD v4.1: 10 of 1,470,228 alleles (0.00068%); highest among the groups gnomAD compares: Admixed American, 0.0024%; no homozygotes.

Submissions (3):

Ambry Genetics
Classification: Uncertain significance for Cardiovascular phenotype. Last evaluated: 2026-03-19. Review status: criteria provided, single submitter. Criteria: Ambry Variant Classification Scheme 2023. Collection method: clinical testing. Allele origin: germline.
Comment: The p.D197N variant (also known as c.589G>A), located in coding exon 4 of the KCNH2 gene, results from a G to A substitution at nucleotide position 589. The aspartic acid at codon 197 is replaced by asparagine, an amino acid with highly similar properties. This amino acid position is conserved. In addition, the in silico prediction for this alteration is inconclusive. Based on the available evidence, the clinical significance of this variant remains unclear.

PreventionGenetics, part of Exact Sciences
Classification: Uncertain significance for KCNH2-related condition. Last evaluated: 2025-07-28. Review status: criteria provided, single submitter. Criteria: ACMG Guidelines, 2015. Collection method: clinical testing. Allele origin: germline.
Comment: The KCNH2 c.589G>A variant is predicted to result in the amino acid substitution p.Asp197Asn. To our knowledge, this variant has not been reported in the literature. This variant is reported in 0.0033% of alleles in individuals of European (Non-Finnish) descent in gnomAD. At this time, the clinical significance of this variant is uncertain due to the absence of conclusive functional and genetic evidence.

Labcorp Genetics (formerly Invitae), Labcorp
Classification: Uncertain significance for Long QT syndrome. Last evaluated: 2023-08-04. Review status: criteria provided, single submitter. Criteria: Invitae Variant Classification Sherloc (09022015). Collection method: clinical testing. Allele origin: germline.
Comment: This sequence change replaces aspartic acid, which is acidic and polar, with asparagine, which is neutral and polar, at codon 197 of the KCNH2 protein (p.Asp197Asn). This variant is present in population databases (no rsID available, gnomAD 0.007%). This variant has not been reported in the literature in individuals affected with KCNH2-related conditions. ClinVar contains an entry for this variant (Variation ID: 952715). An algorithm developed to predict the effect of missense changes on protein structure and function (PolyPhen-2) suggests that this variant is likely to be tolerated. In summary, the available evidence is currently insufficient to determine the role of this variant in disease. Therefore, it has been classified as a Variant of Uncertain Significance.

NM_000238.4(KCNH2):c.589G>A (p.Asp197Asn)

Gene: KCNH2 (potassium voltage-gated channel subfamily H member 2; minus strand). Cytogenetic location: 7q36.1.
Variant type: single nucleotide variant.
Coding change: c.589G>A on transcript NM_000238.4 (MANE Select); coding-DNA position 589, G replaced by A.
Protein change: p.Asp197Asn; replaces aspartic acid 197 with asparagine.
Molecular consequence: missense variant.
Genome position (GRCh38, 1-based): chr7:150,958,386, C>T on the plus strand (G>A on the coding strand, the complement: KCNH2 is on the minus strand). VCF-style: chr7-150958386-C-T. GRCh37 (hg19) VCF-style: chr7-150655474-C-T.
Other names: c.301G>A, p.Asp101Asn (NM_001406753.1, NM_001406756.1); c.412G>A, p.Asp138Asn (NM_001406755.1); c.289G>A, p.Asp97Asn (NM_001406757.1); c.589G>A, p.Asp197Asn (NM_172056.3); short protein forms D197N, D97N, D138N, D101N.
Identifiers: ClinVar variation 952715 (VCV000952715.12), dbSNP rs1396987764, ClinGen allele CA369863197.
Genomic context (GRCh38, chr7:150,958,386, plus strand): 5'-CTGTCACTTCGTCCAGGGCCAGCGACTCGCTGCTGGGTGCCGCGGGCGTCAGGTCCACGT[C>T]CACCACCACGGCCCCCGGGGCGCCCGCGCCGCCCGCGCCGCCCGACCGCACCGACGACTC-3'
Protein context (NP_000229.1, residues 187-207): GAGAPGAVVV[Asp197Asn]VDLTPAAPSS